The following is an entry in ClinVar:

ClinVar aggregate classification (germline): Uncertain significance (1 of 4 stars; one submission).

Conditions:
Immunodeficiency 67. Also called: Immunodeficiency due to interleukin-1 receptor-associated kinase-4 deficiency. Identifiers: Orphanet 70592, MedGen C1843256, MONDO:0011888, OMIM 607676.

Submission:

Labcorp Genetics (formerly Invitae), Labcorp
Classification: Uncertain significance for Immunodeficiency 67. Last evaluated: 2022-07-19. Review status: criteria provided, single submitter. Criteria: Invitae Variant Classification Sherloc (09022015). Collection method: clinical testing. Allele origin: germline.
Comment: In summary, the available evidence is currently insufficient to determine the role of this variant in disease. Therefore, it has been classified as a Variant of Uncertain Significance. Advanced modeling of protein sequence and biophysical properties (such as structural, functional, and spatial information, amino acid conservation, physicochemical variation, residue mobility, and thermodynamic stability) performed at Invitae indicates that this missense variant is expected to disrupt IRAK4 protein function. ClinVar contains an entry for this variant (Variation ID: 1388004). This variant has not been reported in the literature in individuals affected with IRAK4-related conditions. This variant is not present in population databases (gnomAD no frequency). This sequence change replaces glycine, which is neutral and non-polar, with arginine, which is basic and polar, at codon 188 of the IRAK4 protein (p.Gly188Arg).

NM_016123.4(IRAK4):c.562G>C (p.Gly188Arg)

Gene: IRAK4 (interleukin 1 receptor associated kinase 4; plus strand). Cytogenetic location: 12q12.
Variant type: single nucleotide variant.
Coding change: c.562G>C on transcript NM_016123.4 (MANE Select); coding-DNA position 562, G replaced by C.
Protein change: p.Gly188Arg; replaces glycine 188 with arginine.
Molecular consequence: missense variant.
Genome position (GRCh38, 1-based): chr12:43,772,983, G>C. VCF-style: chr12-43772983-G-C. GRCh37 (hg19) VCF-style: chr12-44166786-G-C.
Other names: c.562G>C, p.Gly188Arg (NM_001114182.3, NM_001351345.2); c.190G>C, p.Gly64Arg (NM_001145256.2, NM_001145257.2, NM_001145258.2 and 5 more transcripts); c.39G>C, p.Leu13Phe (NM_001351343.2, NM_001351344.2); short protein forms G188R, G64R, L13F.
Identifiers: ClinVar variation 1388004 (VCV001388004.4), dbSNP rs1677335963, ClinGen allele CA384470647.